The following is an entry in ClinVar:

ClinVar aggregate classification (germline): Likely pathogenic (1 of 4 stars; one submission).

Submission:

GeneDx
Classification: Likely pathogenic. Last evaluated: 2017-07-21. Review status: criteria provided, single submitter. Criteria: GeneDx Variant Classification (06012015). Collection method: clinical testing. Allele origin: germline. Affected: yes.
Comment: The S200F variant has not been published as a pathogenic variant, nor has it been reported as a benign variant to our knowledge. The variant is not observed in large population cohorts (Lek et al., 2016; 1000 Genomes Consortium et al., 2015; Exome Variant Server). S200F is a non-conservative amino acid substitution, which is likely to impact secondary protein structure as these residues differ in polarity, charge, size and/or other properties. This substitution occurs at a position that is conserved across species, and in silico analysis predicts this variant is probably damaging to the protein structure/function. The S200 residue occurs within the D loop of CYBB, and variants in this region have been shown to eliminate oxidase activity of NADPH oxidase (Li et al., 2005). In summary, this variant is likely pathogenic; however, the possibility that it is benign cannot be excluded.

NM_000397.4(CYBB):c.599C>T (p.Ser200Phe)

Gene: CYBB (cytochrome b-245 beta chain; plus strand). Cytogenetic location: Xp21.1.
Variant type: single nucleotide variant.
Coding change: c.599C>T on transcript NM_000397.4 (MANE Select); coding-DNA position 599, C replaced by T.
Protein change: p.Ser200Phe; replaces serine 200 with phenylalanine.
Molecular consequence: missense variant.
Genome position (GRCh38, 1-based): chrX:37,796,066, C>T. VCF-style: chrX-37796066-C-T. GRCh37 (hg19) VCF-style: chrX-37655319-C-T.
Other names: short protein forms S200F.
Identifiers: ClinVar variation 450884 (VCV000450884.2), dbSNP rs1556468360, ClinGen allele CA412976207.